The following is an entry in ClinVar:

NM_001360016.2(G6PD):c.31C>T (p.Gln11Ter)

Genes: G6PD (glucose-6-phosphate dehydrogenase; minus strand), IKBKG (inhibitor of nuclear factor kappa B kinase regulatory subunit gamma; plus strand). Cytogenetic location: Xq28.
Variant type: single nucleotide variant.
Coding change: c.31C>T on transcript NM_001360016.2 (MANE Select); coding-DNA position 31, C replaced by T.
Protein change: p.Gln11Ter; replaces glutamine 11 with a stop codon.
Molecular consequence: nonsense. On other transcripts: intron variant (4).
Genome position (GRCh38, 1-based): chrX:154,546,125, G>A on the plus strand (C>T on the coding strand, the complement: G6PD is on the minus strand). VCF-style: chrX-154546125-G-A. GRCh37 (hg19) VCF-style: chrX-153774340-G-A.
Other names: c.121C>T, p.Gln41Ter (NM_000402.4); c.31C>T, p.Gln11Ter (NM_001042351.3); c.-16+4734G>A (NM_001377312.1, NM_001377313.1); c.189+3673G>A (NM_001099856.6); c.-16+3738G>A (NM_001321396.3); short protein forms Q11*, Q41*.
Identifiers: ClinVar variation 1722649 (VCV001722649.2), dbSNP rs2523309030, ClinGen allele CA415202522.

ClinVar aggregate classification (germline): Pathogenic (1 of 4 stars; one submission).

Conditions:
Anemia, nonspherocytic hemolytic, due to G6PD deficiency (CNSHA1). Also called: ANEMIA, CONGENITAL, NONSPHEROCYTIC HEMOLYTIC, 1; Class I glucose-6-phosphate dehydrogenase deficiency; Favism, susceptibility to; Hemolytic anemia due to G6PD deficiency. Identifiers: Orphanet 466026, MedGen C2720289, MONDO:0010480, OMIM 300908.

Submission:

Dunham Lab, University of Washington
Classification: Pathogenic for Anemia, nonspherocytic hemolytic, due to G6PD deficiency. Last evaluated: 2022-08-12. Review status: criteria provided, single submitter. Criteria: Bayesian ACMG Guidelines, 2018. Collection method: curation. Allele origin: unknown. Affected: yes.
Comment: Decreased actvity in red blood cells (less than 10%) (PS3). Introduces stop codon at residue 11 (PVS1). Not found in gnomAD (PM2). Post_P 0.999 (odds of pathogenicity 58947, Prior_P 0.1).

Literature cited by the submitters: PubMed 34989400.